The following is an entry in ClinVar:

NM_000135.4(FANCA):c.4028A>G (p.His1343Arg)

Genes: FANCA (FA complementation group A; minus strand), ZNF276 (zinc finger protein 276; plus strand). Cytogenetic location: 16q24.3.
Variant type: single nucleotide variant.
Coding change: c.4028A>G on transcript NM_000135.4 (MANE Select); coding-DNA position 4028, A replaced by G.
Protein change: p.His1343Arg; replaces histidine 1343 with arginine.
Molecular consequence: missense variant. On other transcripts: 3 prime UTR variant (2), non-coding transcript variant (4).
Genome position (GRCh38, 1-based): chr16:89,739,272, T>C on the plus strand (A>G on the coding strand, the complement: FANCA is on the minus strand). VCF-style: chr16-89739272-T-C. GRCh37 (hg19) VCF-style: chr16-89805680-T-C.
Other names: c.4028A>G, p.His1343Arg (NM_001286167.3); c.*1026T>C (NM_001113525.2, NM_152287.4); short protein forms H1343R.
Identifiers: ClinVar variation 3512701 (VCV003512701.1).
Genomic context (GRCh38, chr16:89,739,272, plus strand): 5'-TTCAAGTACATGTCCACAGCAACATGCAGGAAGGCCTCTTCCCTGATGGCCGCGTCTTCA[T>C]GGAAGTAGGAGAGAAGACTAGAGGTAAAGACATAGTGACAAATGGCTACAGACTGCTGGA-3'
Protein context (NP_000126.2, residues 1333-1353): FAFYSLLSYF[His1343Arg]EDAAIREEAF

ClinVar aggregate classification (germline): Uncertain significance (1 of 4 stars; one submission).

Conditions:
Inborn genetic diseases. Identifiers: MedGen C0950123, MeSH D030342.

gnomAD v4.1: 2 of 1,613,974 alleles (0.00012%); highest among the groups gnomAD compares: South Asian, 0.0011%; no homozygotes.

Submission:

Ambry Genetics
Classification: Uncertain significance for Inborn genetic diseases. Last evaluated: 2024-12-02. Review status: criteria provided, single submitter. Criteria: Ambry Variant Classification Scheme 2023. Collection method: clinical testing. Allele origin: germline.
Comment: The p.H1343R variant (also known as c.4028A>G), located in coding exon 41 of the FANCA gene, results from an A to G substitution at nucleotide position 4028. The histidine at codon 1343 is replaced by arginine, an amino acid with highly similar properties. This amino acid position is conserved. In addition, this alteration is predicted to be tolerated by in silico analysis. Based on the available evidence, the clinical significance of this variant remains unclear.